The following is an entry in ClinVar:

NM_198578.4(LRRK2):c.4655G>A (p.Arg1552Gln)

Gene: LRRK2 (leucine rich repeat kinase 2; plus strand). Cytogenetic location: 12q12.
Variant type: single nucleotide variant.
Coding change: c.4655G>A on transcript NM_198578.4 (MANE Select); coding-DNA position 4655, G replaced by A.
Protein change: p.Arg1552Gln; replaces arginine 1552 with glutamine.
Molecular consequence: missense variant.
Genome position (GRCh38, 1-based): chr12:40,314,090, G>A. VCF-style: chr12-40314090-G-A. GRCh37 (hg19) VCF-style: chr12-40707892-G-A.
Other names: short protein forms R1552Q.
Identifiers: ClinVar variation 1742204 (VCV001742204.3), dbSNP rs772964389, ClinGen allele CA6514241.
Genomic context (GRCh38, chr12:40,314,090, plus strand): 5'-AAATCATTTTATCGGAGCGTAAAAATGTGCCAATTGAATTTCCCGTAATTGACCGGAAAC[G>A]ATTATTACAACTAGTGAGAGAAAATCAGCTGCAGTTAGATGAAAATGAGCTTCCTCACGC-3'
Protein context (NP_940980.4, residues 1542-1562): PIEFPVIDRK[Arg1552Gln]LLQLVRENQL

ClinVar aggregate classification (germline): Uncertain significance (1 of 4 stars; one submission).

Conditions:
Inborn genetic diseases. Identifiers: MedGen C0950123, MeSH D030342.

Allele frequency attached by ClinVar (database versions not stated): ExAC 0.00002; gnomAD exomes 0.00002; TOPMed 0.00002; gnomAD 0.00004.
gnomAD v4.1: 40 of 1,612,594 alleles (0.0025%); highest among the groups gnomAD compares: Non-Finnish European, 0.0029%; no homozygotes.

Submission:

Ambry Genetics
Classification: Uncertain significance for Inborn genetic diseases. Last evaluated: 2023-08-25. Review status: criteria provided, single submitter. Criteria: Ambry Variant Classification Scheme 2023. Collection method: clinical testing. Allele origin: germline.
Comment: The p.R1552Q variant (also known as c.4655G>A), located in coding exon 32 of the LRRK2 gene, results from a G to A substitution at nucleotide position 4655. The arginine at codon 1552 is replaced by glutamine, an amino acid with highly similar properties. This amino acid position is conserved. In addition, this alteration is predicted to be tolerated by in silico analysis. Since supporting evidence is limited at this time, the clinical significance of this alteration remains unclear.